The following is an entry in ClinVar:

NM_001018111.3(PODXL):c.307G>T (p.Val103Phe)

Gene: PODXL (podocalyxin like; minus strand). Cytogenetic location: 7q32.3.
Variant type: single nucleotide variant.
Coding change: c.307G>T on transcript NM_001018111.3 (MANE Select); coding-DNA position 307, G replaced by T.
Protein change: p.Val103Phe; replaces valine 103 with phenylalanine.
Molecular consequence: missense variant.
Genome position (GRCh38, 1-based): chr7:131,511,227, C>A on the plus strand (G>T on the coding strand, the complement: PODXL is on the minus strand). VCF-style: chr7-131511227-C-A. GRCh37 (hg19) VCF-style: chr7-131195986-C-A.
Other names: c.307G>T, p.Val103Phe (NM_005397.4); short protein forms V103F.
Identifiers: ClinVar variation 2979790 (VCV002979790.3), dbSNP rs1255228615, ClinGen allele CA369301714.
Genomic context (GRCh38, chr7:131,511,227, plus strand): 5'-GGCTCTCGATGGTGGTAGTAGGGTTGCCTGAGCCGCCTCCTCTAGCCACGGTAGTGTTGA[C>A]TGGGCCTGAGACTTGCTGAGCCAGGGTTGTAGTCCCCGGTGAGTCACTGGATACACCAAG-3'
Protein context (NP_001018121.1, residues 93-113): TTLAQQVSGP[Val103Phe]NTTVARGGGS

ClinVar aggregate classification (germline): Uncertain significance (1 of 4 stars; one submission).

Allele frequency attached by ClinVar (database versions not stated): gnomAD exomes 0.00001.
gnomAD v4.1: 3 of 1,614,052 alleles (0.00019%); highest among the groups gnomAD compares: Admixed American, 0.005%; no homozygotes.

Submission:

Labcorp Genetics (formerly Invitae), Labcorp
Classification: Uncertain significance. Last evaluated: 2023-12-06. Review status: criteria provided, single submitter. Criteria: Invitae Variant Classification Sherloc (09022015). Collection method: clinical testing. Allele origin: germline.
Comment: This sequence change replaces valine, which is neutral and non-polar, with phenylalanine, which is neutral and non-polar, at codon 103 of the PODXL protein (p.Val103Phe). This variant is present in population databases (no rsID available, gnomAD 0.006%). This variant has not been reported in the literature in individuals affected with PODXL-related conditions. An algorithm developed to predict the effect of missense changes on protein structure and function (PolyPhen-2) suggests that this variant is likely to be disruptive. In summary, the available evidence is currently insufficient to determine the role of this variant in disease. Therefore, it has been classified as a Variant of Uncertain Significance.